The following is an entry in ClinVar:

NM_004380.3(CREBBP):c.4604A>G (p.Lys1535Arg)

Gene: CREBBP (CREB binding lysine acetyltransferase; minus strand). Cytogenetic location: 16p13.3.
Variant type: single nucleotide variant.
Coding change: c.4604A>G on transcript NM_004380.3 (MANE Select); coding-DNA position 4604, A replaced by G.
Protein change: p.Lys1535Arg; replaces lysine 1535 with arginine.
Molecular consequence: missense variant.
Genome position (GRCh38, 1-based): chr16:3,736,160, T>C on the plus strand (A>G on the coding strand, the complement: CREBBP is on the minus strand). VCF-style: chr16-3736160-T-C. GRCh37 (hg19) VCF-style: chr16-3786161-T-C.
Other names: c.4490A>G, p.Lys1497Arg (NM_001079846.1); short protein forms K1497R, K1535R.
Identifiers: ClinVar variation 4764890 (VCV004764890.1).

ClinVar aggregate classification (germline): Uncertain significance (1 of 4 stars; one submission).

Conditions:
Rubinstein-Taybi syndrome (RSTS). Identifiers: Orphanet 783, MedGen C0035934, MONDO:0019188.

gnomAD v4.1: 9 of 1,614,252 alleles (0.00056%); highest among the groups gnomAD compares: Non-Finnish European, 0.00076%; no homozygotes.

Submission:

Labcorp Genetics (formerly Invitae), Labcorp
Classification: Uncertain significance for Rubinstein-Taybi syndrome. Last evaluated: 2025-08-12. Review status: criteria provided, single submitter. Criteria: Invitae Variant Classification Sherloc (09022015). Collection method: clinical testing. Allele origin: germline.
Comment: This sequence change replaces lysine, which is basic and polar, with arginine, which is basic and polar, at codon 1535 of the CREBBP protein (p.Lys1535Arg). This variant is not present in population databases (gnomAD no frequency). This variant has not been reported in the literature in individuals affected with CREBBP-related conditions. Invitae Evidence Modeling of protein sequence and biophysical properties (such as structural, functional, and spatial information, amino acid conservation, physicochemical variation, residue mobility, and thermodynamic stability) indicates that this missense variant is not expected to disrupt CREBBP protein function with a negative predictive value of 95%. In summary, the available evidence is currently insufficient to determine the role of this variant in disease. Therefore, it has been classified as a Variant of Uncertain Significance.